The following is an entry in ClinVar:

NM_000322.5(PRPH2):c.828+3A>T

Gene: PRPH2 (peripherin 2; minus strand). Cytogenetic location: 6p21.1.
Variant type: single nucleotide variant.
Coding change: c.828+3A>T on transcript NM_000322.5 (MANE Select); 3 bases into the intron after coding-DNA position 828, A replaced by T.
Molecular consequence: intron variant.
Genome position (GRCh38, 1-based): chr6:42,704,362, T>A on the plus strand (A>T on the coding strand, the complement: PRPH2 is on the minus strand). VCF-style: chr6-42704362-T-A. GRCh37 (hg19) VCF-style: chr6-42672100-T-A.
Identifiers: ClinVar variation 98713 (VCV000098713.27), dbSNP rs281865373, ClinGen allele CA226319.
Genomic context (GRCh38, chr6:42,704,362, plus strand): 5'-ATTAGACCCAAATGGGACCGGAGGCTCTCCTTACCCTCTACCCCCAGCTGGCCCAGGGCC[T>A]ACCTCGAAGAGCCAAATGAGGAGCGTGACGACACCCATGGAGTTCATGAGGCTGCTGTAG-3'

ClinVar aggregate classification (germline): Pathogenic. Review status: criteria provided, multiple submitters, no conflicts (2 of 4 stars). 16 submissions from 10 submitters: Pathogenic (13). 3 of the submissions do not count toward it. Last evaluated 2026-06-20.

Conditions:
Patterned dystrophy of the retinal pigment epithelium (MDPT1). Identifiers: Orphanet 63454, MedGen C1868569, MONDO:0018973.
PRPH2-related disorder. Also called: PRPH2-related condition; PRPH2-related disorders. Identifiers: MedGen CN239395.
Retinitis pigmentosa (RP). Identifiers: Orphanet 791, MedGen C0035334, MeSH D012174, MONDO:0019200, OMIM 268000. Inheritance: Autosomal dominant, autosomal recessive and X linked inheritance.
Patterned macular dystrophy 1. Also called: MACULAR DYSTROPHY, BUTTERFLY-SHAPED PIGMENTARY; BUTTERFLY DYSTROPHY OF RETINAL PIGMENT EPITHELIUM. Identifiers: Orphanet 99001, MedGen C4551999, MONDO:0008210, OMIM 169150.
Choroideremia. Also called: Chorioretinal scalloped atrophy. Identifiers: Orphanet 180, MedGen C0008525, MONDO:0010557, OMIM 303100, HP:0001139.
Stargardt disease (FFM). Also called: Stargardt's disease; Fundus flavimaculatus. Identifiers: Orphanet 827, MedGen C0271093, MONDO:0019353.
Doyne honeycomb retinal dystrophy (DHRD). Also called: DOYNE HONEYCOMB DEGENERATION OF RETINA; MALATTIA LEVENTINESE; DRUSEN, RADIAL, AUTOSOMAL DOMINANT. Identifiers: Orphanet 75376, MedGen C1832174, MONDO:0007471, OMIM 126600.
Cone-rod dystrophy. Also called: Cone-rod degeneration; Cone/cone-rod dystrophy. Identifiers: Orphanet 1872, MedGen C4085590, MONDO:0015993, HP:0000548.
Vitelliform macular dystrophy 2. Also called: VITELLIFORM MACULAR DYSTROPHY, EARLY-ONSET; VITELLIFORM MACULAR DYSTROPHY, JUVENILE-ONSET; MACULAR DEGENERATION, POLYMORPHIC VITELLINE; Best Vitelliform Macular Dystrophy (BVMD); Best vitelliform macular dystrophy, multifocal; Best Macular Dystrophy. Identifiers: Orphanet 1243, MedGen C2745945, MONDO:0007931, OMIM 153700.

Allele frequency attached by ClinVar (database versions not stated): ESP Exome Variant Server 0.00008; gnomAD exomes below 0.00001 and 0.00001; ExAC 0.00003.
gnomAD v4.1: 2 of 1,607,640 alleles (0.00012%); highest among the groups gnomAD compares: Non-Finnish European, 0.00017%; no homozygotes.

Submissions 1 to 12 of 16:

PreventionGenetics, part of Exact Sciences
Classification: Pathogenic for PRPH2-related condition. Last evaluated: 2026-06-20. Review status: criteria provided, single submitter. Criteria: ACMG Guidelines, 2015. Collection method: clinical testing. Allele origin: germline.
Comment: The PRPH2 c.828+3A>T variant is predicted to interfere with splicing. This variant has been reported in multiple individuals with autosomal dominant PRPH2-related retinal disease and is one of the most common pathogenic PRPH2 variants (see for examples: Shankar et al. 2015. PubMed ID: 25675413; Reeves et al. 2020. PubMed ID: 32531846; Table S1, Lin et al. 2024. PubMed ID: 38219857). Functional studies have demonstrated that this variant causes aberrant splicing (Shankar et al. 2015. PubMed ID: 25675413). This variant is present in 0.0066% of alleles in individuals of African descent in gnomAD. This variant is interpreted as pathogenic.

Labcorp Genetics (formerly Invitae), Labcorp
Classification: Pathogenic for PRPH2-related disorder. Last evaluated: 2026-02-02. Review status: criteria provided, single submitter. Criteria: Invitae Variant Classification Sherloc (09022015). Collection method: clinical testing. Allele origin: germline.
Comment: This sequence change falls in intron 2 of the PRPH2 gene. It does not directly change the encoded amino acid sequence of the PRPH2 protein. RNA analysis indicates that this variant induces altered splicing and likely disrupts the C-terminus of the protein. This variant is present in population databases (rs281865373, gnomAD 0.001%). This variant has been observed in individuals with autosomal dominant retinal disease in many families and may be a founder variant (PMID: 11139241, 25675413, 26842753). It is commonly reported in individuals of European ancestry (PMID: 11139241, 25675413, 26842753). This variant is also known as RDS IVS2+3A>T. ClinVar contains an entry for this variant (Variation ID: 98713). Variants that disrupt the consensus splice site are a relatively common cause of aberrant splicing (PMID: 17576681, 9536098). Studies have shown that this variant results in inclusion of part of intron 2 and introduces a new termination codon (PMID: 25675413). However the mRNA is not expected to undergo nonsense-mediated decay. For these reasons, this variant has been classified as Pathogenic.

Women's Health and Genetics/Laboratory Corporation of America, LabCorp
Classification: Pathogenic for PRPH2-Related Disorders. Last evaluated: 2023-11-20. Review status: criteria provided, single submitter. Criteria: LabCorp Variant Classification Summary - May 2015. Collection method: clinical testing. Allele origin: germline.
Comment: Variant summary: PRPH2 c.828+3A>T alters a non-conserved nucleotide located close to a canonical splice site and therefore could affect mRNA splicing, leading to a significantly altered protein sequence. Several computational tools predict a significant impact on normal splicing: four predict the variant weakens a canonical 5' donor site. The variant allele was found at a frequency of 8.4e-06 in 238042 control chromosomes (gnomAD). At least one study reports experimental evidence supporting this prediction, finding aberantly spliced transcripts in affected individuals (Shankar_2015). The available data on variant occurrences in the general population are insufficient to allow any conclusion about variant significance. c.828+3A>T has been reported in the literature in many individuals affected with retinal degeneration including retinitis pigmentosa (Sullivan_2006, Shankar_2015, Reeves_2020). These reports suggest the variant is very likely to be associated with disease. The following publications have been ascertained in the context of this evaluation (PMID: 16799052, 32531846, 25675413). Six submitters have cited clinical-significance assessments for this variant to ClinVar after 2014. All submitters classified the variant as pathogenic/likely pathogenic. Based on the evidence outlined above, the variant was classified as pathogenic.

Blueprint Genetics
Classification: Pathogenic for PRPH2-related disorders. Last evaluated: 2023-08-28. Review status: criteria provided, single submitter. Criteria: ACMG Guidelines, 2015. Collection method: clinical testing. Allele origin: germline. Affected: yes. Observed: 5 variant alleles.

GeneDx
Classification: Pathogenic. Last evaluated: 2023-04-10. Review status: criteria provided, single submitter. Criteria: GeneDx Variant Classification Process June 2021. Collection method: clinical testing. Allele origin: germline. Affected: yes.
Comment: Published functional studies demonstrate abnormal gene splicing (Shankar et al., 2015); In silico analysis supports a deleterious effect on splicing; This variant is associated with the following publications: (PMID: 11704030, 32531846, 25525159, 25082885, 11139241, 20861475, 32037395, 34758253, 25675413, 26842753)

NEI Ophthalmic Genomics Laboratory, National Institutes of Health
Classification: Pathogenic for Stargardt disease. Last evaluated: 2020-01-07. Review status: criteria provided, single submitter. Criteria: ACMG Guidelines, 2015. Collection method: clinical testing. Allele origin: germline. Affected: yes.
Comment: The variant NM_000322.4:c.828+3A>T in the PRPH2 gene has been previously studied(PMIDs 11139241, 11704030, 25675413, 25525159, 26842753). We found this variant in 36 patient(s) in a PRPH2 cohort study (Reeves et al. 2020). This variant is listed in dbSNP and/or HGMD (rs281865373,CS010139). It is present in gnomAD browser (AF 0.00000429). It is enriched in the PRPH2 disease cohort. We invoked ACMG criteria [PS4, PP1-S, PM2, PP3, PP5] and classified NM_000322.4:c.828+3A>T in the PRPH2 gene as a Pathogenic mutation.

NEI Ophthalmic Genomics Laboratory, National Institutes of Health
Classification: Pathogenic for Choroideremia. Last evaluated: 2020-01-07. Review status: criteria provided, single submitter. Criteria: ACMG Guidelines, 2015. Collection method: clinical testing. Allele origin: germline. Affected: yes.
Comment: the same text as in the submission from NEI Ophthalmic Genomics Laboratory, National Institutes of Health above.

NEI Ophthalmic Genomics Laboratory, National Institutes of Health
Classification: Pathogenic for Patterned dystrophy of the retinal pigment epithelium. Last evaluated: 2020-01-07. Review status: criteria provided, single submitter. Criteria: ACMG Guidelines, 2015. Collection method: clinical testing. Allele origin: germline. Affected: yes.
Comment: the same text as in the submission from NEI Ophthalmic Genomics Laboratory, National Institutes of Health above.

NEI Ophthalmic Genomics Laboratory, National Institutes of Health
Classification: Pathogenic for Vitelliform macular dystrophy 2. Last evaluated: 2020-01-07. Review status: criteria provided, single submitter. Criteria: ACMG Guidelines, 2015. Collection method: clinical testing. Allele origin: germline. Affected: yes.
Comment: the same text as in the submission from NEI Ophthalmic Genomics Laboratory, National Institutes of Health above.

NEI Ophthalmic Genomics Laboratory, National Institutes of Health
Classification: Pathogenic for Retinitis pigmentosa. Last evaluated: 2020-01-07. Review status: criteria provided, single submitter. Criteria: ACMG Guidelines, 2015. Collection method: clinical testing. Allele origin: germline. Affected: yes.
Comment: the same text as in the submission from NEI Ophthalmic Genomics Laboratory, National Institutes of Health above.

NEI Ophthalmic Genomics Laboratory, National Institutes of Health
Classification: Pathogenic for Doyne honeycomb retinal dystrophy. Last evaluated: 2020-01-07. Review status: criteria provided, single submitter. Criteria: ACMG Guidelines, 2015. Collection method: clinical testing. Allele origin: germline. Affected: yes.
Comment: The variant NM_000322.4:c.828+3A>T in the PRPH2 gene has been previously studied(PMIDs 11139241, 11704030, 25675413, 25525159, 26842753). We found this variant in 36 patient(s) in a PRPH2 cohort study (Reeves et al. 2020). This variant is listed in dbSNP and/or HGMD (rs281865373, CS010139). It is present in gnomAD browser (AF 0.00000429). It is enriched in the PRPH2 disease cohort. We invoked ACMG criteria [PS4, PP1-S, PM2, PP3, PP5] and classified NM_000322.4:c.828+3A>T in the PRPH2 gene as a Pathogenic mutation.

NEI Ophthalmic Genomics Laboratory, National Institutes of Health
Classification: Pathogenic for Cone-rod dystrophy. Last evaluated: 2020-01-07. Review status: criteria provided, single submitter. Criteria: ACMG Guidelines, 2015. Collection method: clinical testing. Allele origin: germline. Affected: yes.
Comment: the same text as in the submission from NEI Ophthalmic Genomics Laboratory, National Institutes of Health above.